The following is an entry in ClinVar:

ClinVar aggregate classification (germline): Pathogenic (1 of 4 stars; one submission).

Conditions:
Propionic acidemia (PROP). Also called: GLYCINEMIA, KETOTIC; HYPERGLYCINEMIA WITH KETOACIDOSIS AND LEUKOPENIA; KETOTIC HYPERGLYCINEMIA. Identifiers: Orphanet 35, MedGen C0268579, MONDO:0011628, OMIM 606054, HP:0003571.

Submission:

3billion
Classification: Pathogenic for Propionic acidemia. Last evaluated: 2025-04-04. Review status: criteria provided, single submitter. Criteria: ACMG Guidelines, 2015. Collection method: clinical testing. Allele origin: germline. Affected: yes.
Comment: The variant is not observed in the gnomAD v4.1.0 dataset. Predicted Consequence/Location: Stop-gained (nonsense): predicted to result in a loss or disruption of normal protein function through nonsense-mediated decay (NMD) or protein truncation. Multiple pathogenic variants are reported downstream of the variant. The variant has been previously reported as de novo in a similarly affected individual (PMID: 32005694). The variant has been reported to be associated with PCCA-related disorder (PMID: 32005694). Therefore, this variant is classified as Pathogenic according to the recommendation of ACMG/AMP guideline.

Literature cited by the submitters: PubMed 32005694.

NM_000282.4(PCCA):c.59G>A (p.Trp20Ter)

Gene: PCCA (propionyl-CoA carboxylase subunit alpha; plus strand). Cytogenetic location: 13q32.3.
Variant type: single nucleotide variant.
Coding change: c.59G>A on transcript NM_000282.4 (MANE Select); coding-DNA position 59, G replaced by A.
Protein change: p.Trp20Ter; replaces tryptophan 20 with a stop codon.
Molecular consequence: nonsense. On other transcripts: 5 prime UTR variant (3), non-coding transcript variant (5).
Genome position (GRCh38, 1-based): chr13:100,089,179, G>A. VCF-style: chr13-100089179-G-A. GRCh37 (hg19) VCF-style: chr13-100741433-G-A.
Other names: c.59G>A, p.Trp20Ter (NM_001127692.3, NM_001178004.2, NM_001352605.2 and 4 more transcripts); c.-808G>A (NM_001352610.2, NM_001352611.2, NM_001352612.2); short protein forms W20*.
Identifiers: ClinVar variation 4292787 (VCV004292787.1).